The following is an entry in ClinVar:

ClinVar aggregate classification (germline): Uncertain significance (1 of 4 stars; one submission).

Conditions:
JAG1-related disorder. Also called: JAG1-related condition; JAG1-related disorders.

Submission:

PreventionGenetics, part of Exact Sciences
Classification: Uncertain significance for JAG1-related condition. Last evaluated: 2025-07-15. Review status: criteria provided, single submitter. Criteria: ACMG Guidelines, 2015. Collection method: clinical testing. Allele origin: germline.
Comment: The JAG1 c.755G>C variant is predicted to result in the amino acid substitution p.Arg252Thr. To our knowledge, this variant has not been reported in the literature or in a large population database (gnomAD), indicating this variant is rare. At this time, the clinical significance of this variant is uncertain due to the absence of conclusive functional and genetic evidence.

NM_000214.3(JAG1):c.755G>C (p.Arg252Thr)

Gene: JAG1 (jagged canonical Notch ligand 1; minus strand). Cytogenetic location: 20p12.2.
Variant type: single nucleotide variant.
Coding change: c.755G>C on transcript NM_000214.3 (MANE Select); coding-DNA position 755, G replaced by C.
Protein change: p.Arg252Thr; replaces arginine 252 with threonine.
Molecular consequence: missense variant.
Genome position (GRCh38, 1-based): chr20:10,656,398, C>G on the plus strand (G>C on the coding strand, the complement: JAG1 is on the minus strand). VCF-style: chr20-10656398-C-G. GRCh37 (hg19) VCF-style: chr20-10637046-C-G.
Other names: short protein forms R252T.
Identifiers: ClinVar variation 5000043 (VCV005000043.1).